The following is an entry in ClinVar:

NM_016507.4(CDK12):c.787A>G (p.Lys263Glu)

Genes: CDK12 (cyclin dependent kinase 12; plus strand), LOC126862553 (CDK7 strongly-dependent group 2 enhancer GRCh37_chr17:37618166-37619365; plus strand). Cytogenetic location: 17q12.
Variant type: single nucleotide variant.
Coding change: c.787A>G on transcript NM_016507.4 (MANE Select); coding-DNA position 787, A replaced by G.
Protein change: p.Lys263Glu; replaces lysine 263 with glutamic acid.
Molecular consequence: missense variant.
Genome position (GRCh38, 1-based): chr17:39,462,858, A>G. VCF-style: chr17-39462858-A-G. GRCh37 (hg19) VCF-style: chr17-37619111-A-G.
Other names: c.787A>G, p.Lys263Glu (NM_015083.4); short protein forms K263E.
Identifiers: ClinVar variation 3830717 (VCV003830717.1).
Genomic context (GRCh38, chr17:39,462,858, plus strand): 5'-GGCCAAGATTATGACCTTAGTCCCTCACGATCTCATACCTCGAGCAATTATGACTCCTAC[A>G]AGAAAAGTCCTGGAAGTACCTCGAGAAGGCAGTCGGTCAGTCCCCCTTACAAGGAGCCTT-3'
Protein context (NP_057591.2, residues 253-273): SHTSSNYDSY[Lys263Glu]KSPGSTSRRQ

ClinVar aggregate classification (germline): Uncertain significance (1 of 4 stars; one submission).

gnomAD v4.1: 4 of 1,614,178 alleles (0.00025%); highest among the groups gnomAD compares: Non-Finnish European, 0.00034%; no homozygotes.

Submission:

Ambry Genetics
Classification: Uncertain significance. Last evaluated: 2025-02-26. Review status: criteria provided, single submitter. Criteria: Ambry Variant Classification Scheme 2023. Collection method: clinical testing. Allele origin: germline.
Comment: The p.K263E variant (also known as c.787A>G), located in coding exon 1 of the CDK12 gene, results from an A to G substitution at nucleotide position 787. The lysine at codon 263 is replaced by glutamic acid, an amino acid with similar properties. This amino acid position is conserved. In addition, this alteration is predicted to be tolerated by in silico analysis. Based on the available evidence, the clinical significance of this variant remains unclear.